The following is an entry in ClinVar:

ClinVar aggregate classification (germline): Likely benign. Review status: criteria provided, multiple submitters, no conflicts (2 of 4 stars). 3 submissions from 3 submitters: Likely benign (3). Last evaluated 2025-11-23.

Conditions:
Dilated cardiomyopathy 1W (CMD1W). Identifiers: Orphanet 154, MedGen C1969639, MONDO:0012667, OMIM 611407.
Cardiovascular phenotype. Identifiers: MedGen CN230736.

Allele frequency attached by ClinVar (database versions not stated): gnomAD exomes below 0.00001.
gnomAD v4.1: 2 of 1,614,184 alleles (0.00012%); highest among the groups gnomAD compares: Non-Finnish European, 0.00017%; no homozygotes.

Submissions (3):

Labcorp Genetics (formerly Invitae), Labcorp
Classification: Likely benign for Dilated cardiomyopathy 1W. Last evaluated: 2025-11-23. Review status: criteria provided, single submitter. Criteria: Invitae Variant Classification Sherloc (09022015). Collection method: clinical testing. Allele origin: germline.

Ambry Genetics
Classification: Likely benign for Cardiovascular phenotype. Last evaluated: 2025-01-16. Review status: criteria provided, single submitter. Criteria: Ambry Variant Classification Scheme 2023. Collection method: clinical testing. Allele origin: germline.

GeneDx
Classification: Likely benign. Last evaluated: 2016-08-18. Review status: criteria provided, single submitter. Criteria: GeneDx Variant Classification (06012015). Collection method: clinical testing. Allele origin: germline. Affected: yes.
Comment: This variant is considered likely benign or benign based on one or more of the following criteria: it is a conservative change, it occurs at a poorly conserved position in the protein, it is predicted to be benign by multiple in silico algorithms, and/or has population frequency not consistent with disease.

NM_014000.3(VCL):c.1092A>G (p.Thr364=)

Gene: VCL (vinculin; plus strand). Cytogenetic location: 10q22.2.
Variant type: single nucleotide variant.
Coding change: c.1092A>G on transcript NM_014000.3 (MANE Select); coding-DNA position 1092, A replaced by G.
Protein change: p.Thr364=; no amino-acid change (threonine 364 retained).
Molecular consequence: synonymous variant.
Genome position (GRCh38, 1-based): chr10:74,089,265, A>G. VCF-style: chr10-74089265-A-G. GRCh37 (hg19) VCF-style: chr10-75849023-A-G.
Other names: c.1092A>G, p.Thr364= (NM_003373.4).
Identifiers: ClinVar variation 383210 (VCV000383210.10), dbSNP rs1057521557, ClinGen allele CA16606705.
Genomic context (GRCh38, chr10:74,089,265, plus strand): 5'-ATCCTCACCGGTGGCCATGCAGAAAGCTCAGCAGGTATCTCAGGGTCTGGATGTGCTCAC[A>G]GCAAAAGTGGAAAATGCAGCTCGCAAGCTGGAAGCCATGACCAACTCAAAGCAGAGCATT-3'
Protein context (NP_054706.1, residues 354-374): QQVSQGLDVL[Thr364=]AKVENAARKL